The following is an entry in ClinVar:

ClinVar aggregate classification (germline): Uncertain significance. Review status: criteria provided, multiple submitters, no conflicts (2 of 4 stars). 2 submissions from 2 submitters: Uncertain significance (2). Last evaluated 2025-02-26.

Conditions:
Inborn genetic diseases. Identifiers: MedGen C0950123, MeSH D030342.

Allele frequency attached by ClinVar (database versions not stated): TOPMed 0.00001.

Submissions (2):

Labcorp Genetics (formerly Invitae), Labcorp
Classification: Uncertain significance. Last evaluated: 2025-02-26. Review status: criteria provided, single submitter. Criteria: Invitae Variant Classification Sherloc (09022015). Collection method: clinical testing. Allele origin: germline.
Comment: This sequence change replaces valine, which is neutral and non-polar, with phenylalanine, which is neutral and non-polar, at codon 716 of the RAI1 protein (p.Val716Phe). This variant is not present in population databases (gnomAD no frequency). This variant has not been reported in the literature in individuals affected with RAI1-related conditions. ClinVar contains an entry for this variant (Variation ID: 2085177). Invitae Evidence Modeling of protein sequence and biophysical properties (such as structural, functional, and spatial information, amino acid conservation, physicochemical variation, residue mobility, and thermodynamic stability) indicates that this missense variant is not expected to disrupt RAI1 protein function with a negative predictive value of 80%. In summary, the available evidence is currently insufficient to determine the role of this variant in disease. Therefore, it has been classified as a Variant of Uncertain Significance.

Ambry Genetics
Classification: Uncertain significance for Inborn genetic diseases. Last evaluated: 2024-10-21. Review status: criteria provided, single submitter. Criteria: Ambry Variant Classification Scheme 2023. Collection method: clinical testing. Allele origin: germline.

NM_030665.4(RAI1):c.2146G>T (p.Val716Phe)

Gene: RAI1 (retinoic acid induced 1; plus strand). Cytogenetic location: 17p11.2.
Variant type: single nucleotide variant.
Coding change: c.2146G>T on transcript NM_030665.4 (MANE Select); coding-DNA position 2146, G replaced by T.
Protein change: p.Val716Phe; replaces valine 716 with phenylalanine.
Molecular consequence: missense variant.
Genome position (GRCh38, 1-based): chr17:17,795,094, G>T. VCF-style: chr17-17795094-G-T. GRCh37 (hg19) VCF-style: chr17-17698408-G-T.
Other names: c.2146G>T (NM_030665.3); short protein forms V716F.
Identifiers: ClinVar variation 2085177 (VCV002085177.5), dbSNP rs967658854, ClinGen allele CA288368176.